The following is an entry in ClinVar:

NM_014874.4(MFN2):c.976G>A (p.Ala326Thr)

Gene: MFN2 (mitofusin 2; plus strand). Cytogenetic location: 1p36.22.
Variant type: single nucleotide variant.
Coding change: c.976G>A on transcript NM_014874.4 (MANE Select); coding-DNA position 976, G replaced by A.
Protein change: p.Ala326Thr; replaces alanine 326 with threonine.
Molecular consequence: missense variant.
Genome position (GRCh38, 1-based): chr1:12,001,774, G>A. VCF-style: chr1-12001774-G-A. GRCh37 (hg19) VCF-style: chr1-12061831-G-A.
Other names: c.976G>A, p.Ala326Thr (NM_001127660.2); short protein forms A326T.
Identifiers: ClinVar variation 1358741 (VCV001358741.6), dbSNP rs1324564667, ClinGen allele CA338442137.

ClinVar aggregate classification (germline): Uncertain significance (1 of 4 stars; one submission).

Conditions:
Charcot-Marie-Tooth disease type 2. Also called: Charcot-Marie-Tooth type 2. Identifiers: Orphanet 64746, MedGen C0270914, MONDO:0018993.

Allele frequency attached by ClinVar (database versions not stated): gnomAD 0.00001; gnomAD exomes 0.00002 and below 0.00001.
gnomAD v4.1: 31 of 1,614,026 alleles (0.0019%); highest among the groups gnomAD compares: East Asian, 0.0045%; no homozygotes.

Submission:

Labcorp Genetics (formerly Invitae), Labcorp
Classification: Uncertain significance for Charcot-Marie-Tooth disease type 2. Last evaluated: 2023-10-25. Review status: criteria provided, single submitter. Criteria: Invitae Variant Classification Sherloc (09022015). Collection method: clinical testing. Allele origin: germline.
Comment: This sequence change replaces alanine, which is neutral and non-polar, with threonine, which is neutral and polar, at codon 326 of the MFN2 protein (p.Ala326Thr). This variant is present in population databases (no rsID available, gnomAD 0.0009%). This variant has not been reported in the literature in individuals affected with MFN2-related conditions. ClinVar contains an entry for this variant (Variation ID: 1358741). Advanced modeling of protein sequence and biophysical properties (such as structural, functional, and spatial information, amino acid conservation, physicochemical variation, residue mobility, and thermodynamic stability) performed at Invitae indicates that this missense variant is expected to disrupt MFN2 protein function with a positive predictive value of 95%. In summary, the available evidence is currently insufficient to determine the role of this variant in disease. Therefore, it has been classified as a Variant of Uncertain Significance.